The following is an entry in ClinVar:

ClinVar aggregate classification (germline): Uncertain significance (1 of 4 stars; one submission).

Submission:

CeGaT Center for Human Genetics Tuebingen
Classification: Uncertain significance. Last evaluated: 2025-01-01. Review status: criteria provided, single submitter. Criteria: CeGaT Center For Human Genetics Tuebingen Variant Classification Criteria Version 2. Collection method: clinical testing. Allele origin: germline. Affected: yes. Observed: 1 variant allele.
Comment: MAPT: PM2, BP4

NM_001377265.1(MAPT):c.1129A>G (p.Thr377Ala)

Gene: MAPT (microtubule associated protein tau). Cytogenetic location: 17q21.31.
Variant type: single nucleotide variant.
Coding change: c.1129A>G on transcript NM_001377265.1 (MANE Select); coding-DNA position 1129, A replaced by G.
Protein change: p.Thr377Ala; replaces threonine 377 with alanine.
Molecular consequence: missense variant. On other transcripts: intron variant (8).
Genome position (GRCh38, 1-based): chr17:45,983,708, A>G. VCF-style: chr17-45983708-A-G. GRCh37 (hg19) VCF-style: chr17-44061074-A-G.
Other names: c.904A>G, p.Thr302Ala (NM_001123066.4, NM_016835.5); c.1129A>G, p.Thr377Ala (NM_001377266.1); c.200-3332A>G (NM_001377268.1, NM_016834.5, NM_016841.5); c.374-3332A>G (NM_005910.6, NM_001203252.2); c.287-3332A>G (NM_001123067.4, NM_001203251.2, NM_001377267.1); short protein forms T302A, T377A.
Identifiers: ClinVar variation 3771663 (VCV003771663.13).